The following is an entry in ClinVar:

NM_025114.4(CEP290):c.3498T>G (p.Val1166=)

Gene: CEP290 (centrosomal protein 290; minus strand). Cytogenetic location: 12q21.32.
Variant type: single nucleotide variant.
Coding change: c.3498T>G on transcript NM_025114.4 (MANE Select); coding-DNA position 3498, T replaced by G.
Protein change: p.Val1166=; no amino-acid change (valine 1166 retained).
Molecular consequence: synonymous variant.
Genome position (GRCh38, 1-based): chr12:88,090,803, A>C on the plus strand (T>G on the coding strand, the complement: CEP290 is on the minus strand). VCF-style: chr12-88090803-A-C. GRCh37 (hg19) VCF-style: chr12-88484580-A-C.
Identifiers: ClinVar variation 697907 (VCV000697907.14), dbSNP rs750099379, ClinGen allele CA6712129.

ClinVar aggregate classification (germline): Conflicting classifications of pathogenicity. Review status: criteria provided, conflicting classifications (1 of 4 stars). 4 submissions from 4 submitters: Uncertain significance (1); Likely benign (2). 1 of the submissions does not count toward it. Last evaluated 2025-06-12.

Conditions:
CEP290-related disorder. Also called: CEP290-related condition; CEP290-related disorders. Identifiers: MedGen CN239314.
Leber congenital amaurosis 10 (LCA10). Identifiers: Orphanet 65, MedGen C1857821, MONDO:0012723, OMIM 611755.
Meckel syndrome, type 4 (MKS4). Also called: MECKEL-GRUBER SYNDROME, TYPE 4. Identifiers: Orphanet 564, MedGen C1970161, MONDO:0012626, OMIM 611134.
Senior-Loken syndrome 6 (SLSN6). Identifiers: Orphanet 3156, MedGen C1857779, MONDO:0012433, OMIM 610189.
Joubert syndrome 5 (JBTS5). Identifiers: Orphanet 2318, MedGen C1857780, MONDO:0012432, OMIM 610188.
Bardet-Biedl syndrome 14 (BBS14). Identifiers: Orphanet 110, MedGen C2673874, MONDO:0014442, OMIM 615991.
Nephronophthisis. Also called: Juvenile Nephronophthisis. Identifiers: Orphanet 655, MedGen C0687120, MONDO:0019005, HP:0000090.
Meckel-Gruber syndrome. Also called: DYSENCEPHALIA SPLANCHNOCYSTICA; GRUBER SYNDROME; Dysencephalia splachnocystica. Identifiers: Orphanet 564, MedGen C0265215, MONDO:0018921.
Joubert syndrome. Also called: JOUBERT-BOLTSHAUSER SYNDROME; Familial aplasia of the vermis. Identifiers: Orphanet 475, MedGen C5979921, MONDO:0018772.

Allele frequency attached by ClinVar (database versions not stated): gnomAD exomes 0.00001; gnomAD 0.00002; ExAC 0.00004; TOPMed 0.00005.
gnomAD v4.1: 10 of 1,560,358 alleles (0.00064%); highest among the groups gnomAD compares: African/African-American, 0.014%; no homozygotes.

Submissions (4):

Labcorp Genetics (formerly Invitae), Labcorp
Classification: Likely benign for Joubert syndrome; Meckel-Gruber syndrome; Nephronophthisis. Last evaluated: 2025-06-12. Review status: criteria provided, single submitter. Criteria: Invitae Variant Classification Sherloc (09022015). Collection method: clinical testing. Allele origin: germline.

Fulgent Genetics
Classification: Uncertain significance for Joubert syndrome 5; Senior-Loken syndrome 6; Meckel syndrome, type 4; Leber congenital amaurosis 10; Bardet-Biedl syndrome 14. Last evaluated: 2024-06-10. Review status: criteria provided, single submitter. Criteria: ACMG Guidelines, 2015. Collection method: clinical testing. Allele origin: germline.

Blueprint Genetics
Classification: Likely benign. Last evaluated: 2019-10-11. Review status: criteria provided, single submitter. Criteria: ACMG Guidelines, 2015. Collection method: clinical testing. Allele origin: germline.

PreventionGenetics, part of Exact Sciences
Classification: Likely benign for CEP290-related condition. Last evaluated: 2022-03-17. Review status: no assertion criteria provided. Collection method: clinical testing. Allele origin: germline. Not counted in ClinVar's aggregate classification.
Comment: This variant is classified as likely benign based on ACMG/AMP sequence variant interpretation guidelines (Richards et al. 2015 PMID: 25741868, with internal and published modifications).